The following is an entry in ClinVar:

ClinVar aggregate classification (germline): Likely benign (0 of 4 stars; one submission).

Conditions:
USP15-related disorder. Also called: USP15-related condition.

Submission:

PreventionGenetics, part of Exact Sciences
Classification: Likely benign for USP15-related condition. Last evaluated: 2024-04-13. Review status: no assertion criteria provided. Collection method: clinical testing. Allele origin: germline.
Comment: This variant is classified as likely benign based on ACMG/AMP sequence variant interpretation guidelines (Richards et al. 2015 PMID: 25741868, with internal and published modifications).

NM_001252078.2(USP15):c.1652+10A>G

Gene: USP15 (ubiquitin specific peptidase 15; plus strand). Cytogenetic location: 12q14.1.
Variant type: single nucleotide variant.
Coding change: c.1652+10A>G on transcript NM_001252078.2 (MANE Select); 10 bases into the intron after coding-DNA position 1652, A replaced by G.
Molecular consequence: intron variant.
Genome position (GRCh38, 1-based): chr12:62,389,709, A>G. VCF-style: chr12-62389709-A-G. GRCh37 (hg19) VCF-style: chr12-62783489-A-G.
Other names: c.653+10A>G (NM_001351165.2, NM_001351166.2, NM_001351163.2 and 1 more transcripts); c.1289+10A>G (NM_001351159.2); c.1565+10A>G (NM_006313.3); c.905+10A>G (NM_001351160.2).
Identifiers: ClinVar variation 3350165 (VCV003350165.1).
Genomic context (GRCh38, chr12:62,389,709, plus strand): 5'-CGCTATGGATGAAAACCTTAGTAGTATTATGGAACGGGATGATATTTATGTGTAAGTATA[A>G]AACTCATTGTGCAAAATATTACTTGAAAAAAAATTAATAGAAGTAACATAAAATTTTGAG-3'